The following is an entry in ClinVar:

ClinVar aggregate classification (germline): Benign. Review status: criteria provided, single submitter (1 of 4 stars). 2 submissions from 2 submitters: Benign (1). 1 of the submissions does not count toward it. Last evaluated 2025-07-10.

Conditions:
MRPS34-related disorder. Also called: MRPS34-related condition.

Allele frequency attached by ClinVar (database versions not stated): gnomAD exomes 0.00008; ExAC 0.00023; gnomAD 0.00083; TOPMed 0.00091; 1000 Genomes Project 30x 0.00094; ESP Exome Variant Server 0.00100; 1000 Genomes Project 0.00120.

Submissions (2):

Labcorp Genetics (formerly Invitae), Labcorp
Classification: Benign. Last evaluated: 2025-07-10. Review status: criteria provided, single submitter. Criteria: Invitae Variant Classification Sherloc (09022015). Collection method: clinical testing. Allele origin: germline.

PreventionGenetics, part of Exact Sciences
Classification: Likely benign for MRPS34-related condition. Last evaluated: 2020-04-24. Review status: no assertion criteria provided. Collection method: clinical testing. Allele origin: germline. Not counted in ClinVar's aggregate classification.
Comment: This variant is classified as likely benign based on ACMG/AMP sequence variant interpretation guidelines (Richards et al. 2015 PMID: 25741868, with internal and published modifications).

NM_023936.2(MRPS34):c.447C>T (p.Ala149=)

Gene: MRPS34 (mitochondrial ribosomal protein S34; minus strand). Cytogenetic location: 16p13.3.
Variant type: single nucleotide variant.
Coding change: c.447C>T on transcript NM_023936.2 (MANE Select); coding-DNA position 447, C replaced by T.
Protein change: p.Ala149=; no amino-acid change (alanine 149 retained).
Molecular consequence: synonymous variant.
Genome position (GRCh38, 1-based): chr16:1,772,431, G>A on the plus strand (C>T on the coding strand, the complement: MRPS34 is on the minus strand). VCF-style: chr16-1772431-G-A. GRCh37 (hg19) VCF-style: chr16-1822432-G-A.
Other names: c.468C>T, p.Ala156= (NM_001300900.2); c.468C>T (NM_001300900.1).
Identifiers: ClinVar variation 2072200 (VCV002072200.6), dbSNP rs144492252, ClinGen allele CA7818336.